The following is an entry in ClinVar:

NM_002114.4(HIVEP1):c.541T>C (p.Ser181Pro)

Gene: HIVEP1 (HIVEP zinc finger 1; plus strand). Cytogenetic location: 6p24.1.
Variant type: single nucleotide variant.
Coding change: c.541T>C on transcript NM_002114.4 (MANE Select); coding-DNA position 541, T replaced by C.
Protein change: p.Ser181Pro; replaces serine 181 with proline.
Molecular consequence: missense variant.
Genome position (GRCh38, 1-based): chr6:12,120,336, T>C. VCF-style: chr6-12120336-T-C. GRCh37 (hg19) VCF-style: chr6-12120569-T-C.
Other names: c.541T>C (NM_002114.2); short protein forms S181P.
Identifiers: ClinVar variation 3350787 (VCV003350787.2).

ClinVar aggregate classification (germline): Uncertain significance. Review status: criteria provided, single submitter (1 of 4 stars). 2 submissions from 2 submitters: Uncertain significance (1). 1 of the submissions does not count toward it. Last evaluated 2024-08-28.

Conditions:
HIVEP1-related disorder. Also called: HIVEP1-related condition.

gnomAD v4.1: 3 of 1,614,062 alleles (0.00019%); highest among the groups gnomAD compares: Admixed American, 0.005%; no homozygotes.

Submissions (2):

Ambry Genetics
Classification: Uncertain significance. Last evaluated: 2024-08-28. Review status: criteria provided, single submitter. Criteria: Ambry Variant Classification Scheme 2023. Collection method: clinical testing. Allele origin: germline.

PreventionGenetics, part of Exact Sciences
Classification: Uncertain significance for HIVEP1-related condition. Last evaluated: 2024-09-12. Review status: no assertion criteria provided. Collection method: clinical testing. Allele origin: germline. Not counted in ClinVar's aggregate classification.
Comment: The HIVEP1 c.541T>C variant is predicted to result in the amino acid substitution p.Ser181Pro. To our knowledge, this variant has not been reported in the literature or in a large population database, indicating this variant is rare. At this time, the clinical significance of this variant is uncertain due to the absence of conclusive functional and genetic evidence.